The following is an entry in ClinVar:

ClinVar aggregate classification (germline): Uncertain significance (1 of 4 stars; one submission).

Conditions:
Duchenne muscular dystrophy (DMD). Also called: MUSCULAR DYSTROPHY, PSEUDOHYPERTROPHIC PROGRESSIVE, DUCHENNE TYPE; Duchenne Muscular Dystrophy (DMD). Identifiers: Orphanet 98896, MedGen C0013264, MONDO:0010679, OMIM 310200.

Submission:

Labcorp Genetics (formerly Invitae), Labcorp
Classification: Uncertain significance for Duchenne muscular dystrophy. Last evaluated: 2024-01-04. Review status: criteria provided, single submitter. Criteria: Invitae Variant Classification Sherloc (09022015). Collection method: clinical testing. Allele origin: germline.
Comment: This sequence change replaces glutamic acid, which is acidic and polar, with aspartic acid, which is acidic and polar, at codon 1023 of the DMD protein (p.Glu1023Asp). This variant is not present in population databases (gnomAD no frequency). This variant has not been reported in the literature in individuals affected with DMD-related conditions. Advanced modeling of protein sequence and biophysical properties (such as structural, functional, and spatial information, amino acid conservation, physicochemical variation, residue mobility, and thermodynamic stability) performed at Invitae indicates that this missense variant is not expected to disrupt DMD protein function with a negative predictive value of 95%. In summary, the available evidence is currently insufficient to determine the role of this variant in disease. Therefore, it has been classified as a Variant of Uncertain Significance.

NM_004006.3(DMD):c.3069A>T (p.Glu1023Asp)

Gene: DMD (dystrophin; minus strand). Cytogenetic location: Xp21.1.
Variant type: single nucleotide variant.
Coding change: c.3069A>T on transcript NM_004006.3 (MANE Select); coding-DNA position 3069, A replaced by T.
Protein change: p.Glu1023Asp; replaces glutamic acid 1023 with aspartic acid.
Molecular consequence: missense variant.
Genome position (GRCh38, 1-based): chrX:32,468,591, T>A on the plus strand (A>T on the coding strand, the complement: DMD is on the minus strand). VCF-style: chrX-32468591-T-A. GRCh37 (hg19) VCF-style: chrX-32486708-T-A.
Other names: c.3045A>T, p.Glu1015Asp (NM_000109.4); c.3057A>T, p.Glu1019Asp (NM_004009.3); c.2700A>T, p.Glu900Asp (NM_004010.3); short protein forms E1015D, E1019D, E1023D, E900D.
Identifiers: ClinVar variation 2736413 (VCV002736413.3), dbSNP rs2040297014, ClinGen allele CA412666933.
Genomic context (GRCh38, chrX:32,468,591, plus strand): 5'-TAGCTTTTGACAATGCTCAACCAGCTGGGAGGAGAGCTTCTTCCAGCGTCCCTCAATTTC[T>A]TCAAATTCTGATTGATATTTCCGGCTAATTTCAGAGGGCGCTTTCTTCGACATCTCTTTC-3'
Protein context (NP_003997.2, residues 1013-1033): EISRKYQSEF[Glu1023Asp]EIEGRWKKLS